The following is an entry in ClinVar:

NM_005199.5(CHRNG):c.488del (p.Asn163fs)

Gene: CHRNG (cholinergic receptor nicotinic gamma subunit; plus strand). Cytogenetic location: 2q37.1.
Variant type: Deletion.
Coding change: c.488del on transcript NM_005199.5 (MANE Select); coding-DNA position 488, one base deleted (A; older notation c.488delA).
Protein change: p.Asn163fs; shifts the reading frame from asparagine 163.
Molecular consequence: frameshift variant.
Genome position (GRCh38, 1-based): chr2:232,541,511, A deleted; the last of 2 consecutive A bases (chr2:232,541,510-232,541,511); deleting either gives the same sequence. VCF-style (leftmost placement, unchanged base first): chr2-232541509-GA-G. GRCh37 (hg19) VCF-style: chr2-233406219-GA-G.
Other names: short protein forms N163fs.
Identifiers: ClinVar variation 3644334 (VCV003644334.2).

ClinVar aggregate classification (germline): Pathogenic (1 of 4 stars; one submission).

Submission:

Labcorp Genetics (formerly Invitae), Labcorp
Classification: Pathogenic. Last evaluated: 2024-03-03. Review status: criteria provided, single submitter. Criteria: Invitae Variant Classification Sherloc (09022015). Collection method: clinical testing. Allele origin: germline.
Comment: This sequence change creates a premature translational stop signal (p.Asn163Thrfs*20) in the CHRNG gene. It is expected to result in an absent or disrupted protein product. Loss-of-function variants in CHRNG are known to be pathogenic (PMID: 16826520). This variant is not present in population databases (gnomAD no frequency). This variant has not been reported in the literature in individuals affected with CHRNG-related conditions. For these reasons, this variant has been classified as Pathogenic.

Literature cited by the submitters: PubMed 16826520.